The following is an entry in ClinVar:

NM_001042492.3(NF1):c.2324A>G (p.Glu775Gly)

Gene: NF1 (neurofibromin 1; plus strand). Cytogenetic location: 17q11.2.
Variant type: single nucleotide variant.
Coding change: c.2324A>G on transcript NM_001042492.3 (MANE Select); coding-DNA position 2324, A replaced by G.
Protein change: p.Glu775Gly; replaces glutamic acid 775 with glycine.
Molecular consequence: missense variant.
Genome position (GRCh38, 1-based): chr17:31,227,290, A>G. VCF-style: chr17-31227290-A-G. GRCh37 (hg19) VCF-style: chr17-29554308-A-G.
Other names: c.2324A>G, p.Glu775Gly (NM_000267.4); short protein forms E775G.
Identifiers: ClinVar variation 2672694 (VCV002672694.23), dbSNP rs2067032355, ClinGen allele CA398982939.
Genomic context (GRCh38, chr17:31,227,290, plus strand): 5'-TTCAGAAAAGAGTGATGGCACTGCTGAGGCGCATTGAGCATCCCACTGCAGGAAACACTG[A>G]GGTATGCCCTTAGCAACAGAAACACCCCTCCCAGGCGCCCACCCTCAATTTGGAAGCCTC-3'
Protein context (NP_001035957.1, residues 765-785): RIEHPTAGNT[Glu775Gly]AWEDTHAKWE

ClinVar aggregate classification (germline): Pathogenic (1 of 4 stars; one submission).

Submission:

CeGaT Center for Human Genetics Tuebingen
Classification: Pathogenic. Last evaluated: 2024-11-01. Review status: criteria provided, single submitter. Criteria: CeGaT Center For Human Genetics Tuebingen Variant Classification Criteria Version 2. Collection method: clinical testing. Allele origin: germline. Affected: yes. Observed: 1 variant allele.
Comment: NF1: PS2, PM2, PM5, PP1, PP4, PS4:Supporting